The following is an entry in ClinVar:

NM_002625.4(PFKFB1):c.806G>A (p.Arg269His)

Gene: PFKFB1 (6-phosphofructo-2-kinase/fructose-2,6-biphosphatase 1; minus strand). Cytogenetic location: Xp11.21.
Variant type: single nucleotide variant.
Coding change: c.806G>A on transcript NM_002625.4 (MANE Select); coding-DNA position 806, G replaced by A.
Protein change: p.Arg269His; replaces arginine 269 with histidine.
Molecular consequence: missense variant. On other transcripts: non-coding transcript variant (1).
Genome position (GRCh38, 1-based): chrX:54,951,945, C>T on the plus strand (G>A on the coding strand, the complement: PFKFB1 is on the minus strand). VCF-style: chrX-54951945-C-T. GRCh37 (hg19) VCF-style: chrX-54978378-C-T.
Other names: c.740G>A, p.Arg247His (NM_001271804.2); c.611G>A, p.Arg204His (NM_001271805.2); c.806G>A (NM_002625.2); short protein forms R204H, R247H, R269H.
Identifiers: ClinVar variation 2660685 (VCV002660685.24), dbSNP rs376959812, ClinGen allele CA10427734.
Genomic context (GRCh38, chrX:54,951,945, plus strand): 5'-GTGTGTGTGGCCCACCCTACCTGCTTGCCGCGAACTGAGAGGCCAGAGTCACCTCCGATG[C>T]GGCCTCTGATGTTGAGTTCACTCTCGCCATGTCGGCAAAGGTAGATGGAGCGAGGTGTGA-3'
Protein context (NP_002616.2, residues 259-279): HGESELNIRG[Arg269His]IGGDSGLSVR

ClinVar aggregate classification (germline): Conflicting classifications of pathogenicity. Review status: criteria provided, conflicting classifications (1 of 4 stars). 2 submissions from 2 submitters: Uncertain significance (1); Likely benign (1). Last evaluated 2025-03-25.

Allele frequency attached by ClinVar (database versions not stated): ESP Exome Variant Server 0.00009; TOPMed 0.00014; gnomAD 0.00015; ExAC 0.00023; gnomAD exomes 0.00036.
gnomAD v4.1: 411 of 1,205,908 alleles (0.034%); highest among the groups gnomAD compares: Non-Finnish European, 0.043%; no homozygotes.

Submissions (2):

Ambry Genetics
Classification: Uncertain significance. Last evaluated: 2025-03-25. Review status: criteria provided, single submitter. Criteria: Ambry Variant Classification Scheme 2023. Collection method: clinical testing. Allele origin: germline.

CeGaT Center for Human Genetics Tuebingen
Classification: Likely benign. Last evaluated: 2023-03-01. Review status: criteria provided, single submitter. Criteria: CeGaT Center For Human Genetics Tuebingen Variant Classification Criteria Version 2. Collection method: clinical testing. Allele origin: germline. Affected: yes. Observed: 1 variant allele.
Comment: PFKFB1: BS2